The following is an entry in ClinVar:

NM_002582.4(PARN):c.1613G>C (p.Arg538Pro)

Gene: PARN (poly(A)-specific ribonuclease; minus strand). Cytogenetic location: 16p13.12.
Variant type: single nucleotide variant.
Coding change: c.1613G>C on transcript NM_002582.4 (MANE Select); coding-DNA position 1613, G replaced by C.
Protein change: p.Arg538Pro; replaces arginine 538 with proline.
Molecular consequence: missense variant.
Genome position (GRCh38, 1-based): chr16:14,482,695, C>G on the plus strand (G>C on the coding strand, the complement: PARN is on the minus strand). VCF-style: chr16-14482695-C-G. GRCh37 (hg19) VCF-style: chr16-14576552-C-G.
Other names: c.1430G>C, p.Arg477Pro (NM_001134477.3); c.1475G>C, p.Arg492Pro (NM_001242992.2); c.1613G>C, p.Arg538Pro (LRG_1286t1); short protein forms R538P, R492P, R477P.
Identifiers: ClinVar variation 436156 (VCV000436156.19), dbSNP rs377199187, ClinGen allele CA7911983.

ClinVar aggregate classification (germline): Uncertain significance. Review status: criteria provided, multiple submitters, no conflicts (2 of 4 stars). 4 submissions from 4 submitters: Uncertain significance (4). Last evaluated 2025-11-12.

Conditions:
Inborn genetic diseases. Identifiers: MedGen C0950123, MeSH D030342.
Dyskeratosis congenita, autosomal recessive 6 (DKCB6). Identifiers: MedGen C4225356, MONDO:0014600, OMIM 616353.
Pulmonary fibrosis and/or bone marrow failure, Telomere-related, 4. Also called: PULMONARY FIBROSIS AND/OR BONE MARROW FAILURE SYNDROME, TELOMERE-RELATED, 4. Identifiers: Orphanet 2032, MedGen C4225347, MONDO:0014612, OMIM 616371.

Allele frequency attached by ClinVar (database versions not stated): ExAC 0.00008; gnomAD exomes 0.00008; gnomAD 0.00009 and 0.00011; TOPMed 0.00012; ESP Exome Variant Server 0.00025.
gnomAD v4.1: 93 of 1,613,674 alleles (0.0058%); highest among the groups gnomAD compares: Admixed American, 0.017%; no homozygotes.

Submissions (4):

Labcorp Genetics (formerly Invitae), Labcorp
Classification: Uncertain significance for Dyskeratosis congenita, autosomal recessive 6; Pulmonary fibrosis and/or bone marrow failure, Telomere-related, 4. Last evaluated: 2025-11-12. Review status: criteria provided, single submitter. Criteria: Invitae Variant Classification Sherloc (09022015). Collection method: clinical testing. Allele origin: germline.
Comment: This sequence change replaces arginine, which is basic and polar, with proline, which is neutral and non-polar, at codon 538 of the PARN protein (p.Arg538Pro). This variant is present in population databases (rs377199187, gnomAD 0.02%). This missense change has been observed in individual(s) with chronic hypersensitivity pneumonitis and telomeropathies (PMID: 30523342, 31268371, 37216690). ClinVar contains an entry for this variant (Variation ID: 436156). An algorithm developed to predict the effect of missense changes on protein structure and function (PolyPhen-2) suggests that this variant is likely to be disruptive. In summary, the available evidence is currently insufficient to determine the role of this variant in disease. Therefore, it has been classified as a Variant of Uncertain Significance.

Fulgent Genetics
Classification: Uncertain significance for Dyskeratosis congenita, autosomal recessive 6; Pulmonary fibrosis and/or bone marrow failure, Telomere-related, 4. Last evaluated: 2024-05-06. Review status: criteria provided, single submitter. Criteria: ACMG Guidelines, 2015. Collection method: clinical testing. Allele origin: germline.

Ambry Genetics
Classification: Uncertain significance for Inborn genetic diseases. Last evaluated: 2020-11-18. Review status: criteria provided, single submitter. Criteria: Ambry Variant Classification Scheme 2023. Collection method: clinical testing. Allele origin: germline.
Comment: The c.1613G>C (p.R538P) alteration is located in exon 22 (coding exon 22) of the PARN gene. This alteration results from a G to C substitution at nucleotide position 1613, causing the arginine (R) at amino acid position 538 to be replaced by a proline (P). Based on data from the Genome Aggregation Database (gnomAD) database, the PARN c.1613G>C alteration was observed in 0.01% (21/280468) of total alleles studied, with a frequency of 0.02% (6/35286) in the Latino subpopulation. This amino acid position is well conserved in available vertebrate species. The p.R538P alteration is predicted to be tolerated by in silico analysis. Based on insufficient or conflicting evidence, the clinical significance of this alteration remains unclear.

Genetic Services Laboratory, University of Chicago
Classification: Uncertain significance. Last evaluated: 2016-08-19. Review status: criteria provided, single submitter. Criteria: ACMG Guidelines, 2015. Collection method: clinical testing. Allele origin: germline. Affected: no.

Literature cited by the submitters: PubMed 30523342 (cited by Labcorp Genetics (formerly Invitae), Labcorp); PubMed 31268371 (cited by Labcorp Genetics (formerly Invitae), Labcorp); PubMed 37216690 (cited by Labcorp Genetics (formerly Invitae), Labcorp).